The following is an entry in ClinVar:

ClinVar aggregate classification (germline): Uncertain significance (1 of 4 stars; one submission).

Allele frequency attached by ClinVar (database versions not stated): TOPMed below 0.00001.

Submission:

Labcorp Genetics (formerly Invitae), Labcorp
Classification: Uncertain significance. Last evaluated: 2021-05-02. Review status: criteria provided, single submitter. Criteria: Invitae Variant Classification Sherloc (09022015). Collection method: clinical testing. Allele origin: germline.
Comment: This sequence change replaces proline with serine at codon 1142 of the COL4A5 protein (p.Pro1142Ser). The proline residue is highly conserved and there is a moderate physicochemical difference between proline and serine. This variant is not present in population databases (ExAC no frequency). This variant has not been reported in the literature in individuals with COL4A5-related conditions. Advanced modeling of protein sequence and biophysical properties (such as structural, functional, and spatial information, amino acid conservation, physicochemical variation, residue mobility, and thermodynamic stability) performed at Invitae indicates that this missense variant is not expected to disrupt COL4A5 protein function. In summary, the available evidence is currently insufficient to determine the role of this variant in disease. Therefore, it has been classified as a Variant of Uncertain Significance.

NM_033380.3(COL4A5):c.3424C>T (p.Pro1142Ser)

Gene: COL4A5 (collagen type IV alpha 5 chain; plus strand). Cytogenetic location: Xq22.3.
Variant type: single nucleotide variant.
Coding change: c.3424C>T on transcript NM_033380.3 (MANE Select); coding-DNA position 3424, C replaced by T.
Protein change: p.Pro1142Ser; replaces proline 1142 with serine.
Molecular consequence: missense variant.
Genome position (GRCh38, 1-based): chrX:108,665,557, C>T. VCF-style: chrX-108665557-C-T. GRCh37 (hg19) VCF-style: chrX-107908787-C-T.
Other names: c.3424C>T, p.Pro1142Ser (NM_000495.5); short protein forms P1142S.
Identifiers: ClinVar variation 1947631 (VCV001947631.2), dbSNP rs1436908803, ClinGen allele CA413847292.